The following is an entry in ClinVar:

ClinVar aggregate classification (germline): Uncertain significance (1 of 4 stars; one submission).

Conditions:
Maple syrup urine disease, mild variant (MSUDMV). Identifiers: Orphanet 511, MedGen C3554575, MONDO:0014057, OMIM 615135.

Allele frequency attached by ClinVar (database versions not stated): ESP Exome Variant Server 0.00008; gnomAD exomes 0.00008; gnomAD 0.00009 and 0.00010; ExAC 0.00007; TOPMed 0.00007.
gnomAD v4.1: 132 of 1,614,042 alleles (0.0082%); highest among the groups gnomAD compares: Middle Eastern, 0.12%; 1 homozygote.

Submission:

Labcorp Genetics (formerly Invitae), Labcorp
Classification: Uncertain significance for Maple syrup urine disease, mild variant. Last evaluated: 2022-10-19. Review status: criteria provided, single submitter. Criteria: Invitae Variant Classification Sherloc (09022015). Collection method: clinical testing. Allele origin: germline.
Comment: ClinVar contains an entry for this variant (Variation ID: 949421). In summary, the available evidence is currently insufficient to determine the role of this variant in disease. Therefore, it has been classified as a Variant of Uncertain Significance. Algorithms developed to predict the effect of missense changes on protein structure and function (SIFT, PolyPhen-2, Align-GVGD) all suggest that this variant is likely to be disruptive. This variant has not been reported in the literature in individuals affected with PPM1K-related conditions. This variant is present in population databases (rs371035911, gnomAD 0.01%). This sequence change replaces glycine, which is neutral and non-polar, with serine, which is neutral and polar, at codon 130 of the PPM1K protein (p.Gly130Ser).

NM_152542.5(PPM1K):c.388G>A (p.Gly130Ser)

Gene: PPM1K (protein phosphatase, Mg2+/Mn2+ dependent 1K; minus strand). Cytogenetic location: 4q22.1.
Variant type: single nucleotide variant.
Coding change: c.388G>A on transcript NM_152542.5 (MANE Select); coding-DNA position 388, G replaced by A.
Protein change: p.Gly130Ser; replaces glycine 130 with serine.
Molecular consequence: missense variant.
Genome position (GRCh38, 1-based): chr4:88,278,196, C>T on the plus strand (G>A on the coding strand, the complement: PPM1K is on the minus strand). VCF-style: chr4-88278196-C-T. GRCh37 (hg19) VCF-style: chr4-89199348-C-T.
Other names: short protein forms G130S.
Identifiers: ClinVar variation 949421 (VCV000949421.9), dbSNP rs371035911, ClinGen allele CA3005311.
Genomic context (GRCh38, chr4:88,278,196, plus strand): 5'-GTACATACATAATACATTTCTCCATGTGGGTATGACAGAAATCAGCTGCTGCAGGTCCAC[C>T]GTGTCCATCATACACTGCAAAGTACAGGACCTCATCTGTCAGCTGAGCGAAGTCAAACCG-3'
Protein context (NP_689755.3, residues 120-140): VLYFAVYDGH[Gly130Ser]GPAAADFCHT